The following is an entry in ClinVar:

ClinVar aggregate classification (germline): Uncertain significance (1 of 4 stars; one submission).

Submission:

Ambry Genetics
Classification: Uncertain significance. Last evaluated: 2025-09-14. Review status: criteria provided, single submitter. Criteria: Ambry Variant Classification Scheme 2023. Collection method: clinical testing. Allele origin: germline.
Comment: The p.Q1194E variant (also known as c.3580C>G), located in coding exon 5 of the MLH3 gene, results from a C to G substitution at nucleotide position 3580. The glutamine at codon 1194 is replaced by glutamic acid, an amino acid with highly similar properties. This amino acid position is conserved. In addition, this alteration is predicted to be deleterious by in silico analysis. Since supporting evidence is limited at this time, the clinical significance of this alteration remains unclear.

NM_001040108.2(MLH3):c.3580C>G (p.Gln1194Glu)

Gene: MLH3 (mutL homolog 3; minus strand). Cytogenetic location: 14q24.3.
Variant type: single nucleotide variant.
Coding change: c.3580C>G on transcript NM_001040108.2 (MANE Select); coding-DNA position 3580, C replaced by G.
Protein change: p.Gln1194Glu; replaces glutamine 1194 with glutamic acid.
Molecular consequence: missense variant.
Genome position (GRCh38, 1-based): chr14:75,038,403, G>C on the plus strand (C>G on the coding strand, the complement: MLH3 is on the minus strand). VCF-style: chr14-75038403-G-C. GRCh37 (hg19) VCF-style: chr14-75505106-G-C.
Other names: c.3580C>G, p.Gln1194Glu (NM_014381.3); short protein forms Q1194E.
Identifiers: ClinVar variation 1732892 (VCV001732892.3), dbSNP rs2503179740, ClinGen allele CA390427297.